The following is an entry in ClinVar:

ClinVar aggregate classification (germline): Benign. Review status: criteria provided, multiple submitters, no conflicts (2 of 4 stars). 4 submissions from 2 submitters: Benign (4). Last evaluated 2018-01-13.

Conditions:
Nephrotic syndrome, type 4 (NPHS4). Also called: Familial mesangial sclerosis; Nephrotic syndrome, early onset with diffuse mesangial sclerosis. Identifiers: Orphanet 656, MedGen C3151568, MONDO:0009733, OMIM 256370.
Meacham syndrome. Also called: Meacham Winn Culler syndrome. Identifiers: Orphanet 3097, MedGen C1837026, MONDO:0012164, OMIM 608978.
Wilms tumor 1 (WT1). Also called: Wilms tumor, somatic. Identifiers: Orphanet 654, MedGen CN033288, MONDO:0008679, OMIM 194070.

Allele frequency attached by ClinVar (database versions not stated): gnomAD 0.45163 and 0.45475; 1000 Genomes Project 30x 0.58354; gnomAD exomes 0.39476; 1000 Genomes Project 0.58486; TOPMed 0.47713.
gnomAD v4.1: 102,215 of 236,418 alleles (43%); highest among the groups gnomAD compares: African/African-American, 72%; 25,909 homozygotes.

Submissions (4):

Illumina Laboratory Services, Illumina
Classification: Benign for Wilms tumor 1. Last evaluated: 2018-01-13. Review status: criteria provided, single submitter. Criteria: ICSL Variant Classification Criteria 13 December 2019. Collection method: clinical testing. Allele origin: germline.
Comment: This variant was observed in the ICSL laboratory as part of a predisposition screen in an ostensibly healthy population. It had not been previously curated by ICSL or reported in the Human Gene Mutation Database (HGMD: prior to June 1st, 2018), and was therefore a candidate for classification through an automated scoring system. Utilizing variant allele frequency, disease prevalence and penetrance estimates, and inheritance mode, an automated score was calculated to assess if this variant is too frequent to cause the disease. Based on the score and internal cut-off values, a variant classified as benign is not then subjected to further curation. The score for this variant resulted in a classification of benign for this disease.

Illumina Laboratory Services, Illumina
Classification: Benign for Meacham syndrome. Last evaluated: 2018-01-13. Review status: criteria provided, single submitter. Criteria: ICSL Variant Classification Criteria 13 December 2019. Collection method: clinical testing. Allele origin: germline.
Comment: the same text as in the submission from Illumina Laboratory Services, Illumina above.

Illumina Laboratory Services, Illumina
Classification: Benign for Nephrotic syndrome, type 4. Last evaluated: 2018-01-13. Review status: criteria provided, single submitter. Criteria: ICSL Variant Classification Criteria 13 December 2019. Collection method: clinical testing. Allele origin: germline.
Comment: the same text as in the submission from Illumina Laboratory Services, Illumina above.

Breakthrough Genomics
Classification: Benign. Review status: criteria provided, single submitter. Criteria: ACMG Guidelines, 2015. Collection method: not provided. Allele origin: germline. Inheritance: Autosomal dominant inheritance. Affected: yes.

NM_024426.6(WT1):c.*602A>G

Gene: WT1 (WT1 transcription factor; minus strand). Cytogenetic location: 11p13.
Variant type: single nucleotide variant.
Coding change: c.*602A>G on transcript NM_024426.6 (MANE Select); 602 bases downstream of the stop codon, A replaced by G.
Molecular consequence: 3 prime UTR variant. On other transcripts: non-coding transcript variant (1).
Genome position (GRCh38, 1-based): chr11:32,388,456, T>C on the plus strand (A>G on the coding strand, the complement: WT1 is on the minus strand). VCF-style: chr11-32388456-T-C. GRCh37 (hg19) VCF-style: chr11-32410002-T-C.
Other names: c.*602A>G (NM_000378.6, NM_001198551.2, NM_001198552.2 and 11 more transcripts).
Identifiers: ClinVar variation 304399 (VCV000304399.7), dbSNP rs5030320, ClinGen allele CA10638944.